The following is an entry in ClinVar:

NM_024753.5(TTC21B):c.19A>G (p.Lys7Glu)

Gene: TTC21B (tetratricopeptide repeat domain 21B; minus strand). Cytogenetic location: 2q24.3.
Variant type: single nucleotide variant.
Coding change: c.19A>G on transcript NM_024753.5 (MANE Select); coding-DNA position 19, A replaced by G.
Protein change: p.Lys7Glu; replaces lysine 7 with glutamic acid.
Molecular consequence: missense variant.
Genome position (GRCh38, 1-based): chr2:165,953,687, T>C on the plus strand (A>G on the coding strand, the complement: TTC21B is on the minus strand). VCF-style: chr2-165953687-T-C. GRCh37 (hg19) VCF-style: chr2-166810197-T-C.
Other names: short protein forms K7E.
Identifiers: ClinVar variation 331843 (VCV000331843.18), dbSNP rs375721812, ClinGen allele CA1942598.

ClinVar aggregate classification (germline): Conflicting classifications of pathogenicity. Review status: criteria provided, conflicting classifications (1 of 4 stars). 8 submissions from 7 submitters: Uncertain significance (6); Likely benign (2). Last evaluated 2026-01-17.

Conditions:
TTC21B-related disorder. Also called: TTC21B-related disorders; TTC21B-related condition.
Asphyxiating thoracic dystrophy 4 (SRTD4). Also called: SHORT-RIB THORACIC DYSPLASIA 4 WITH OR WITHOUT POLYDACTYLY; SHORT-RIB THORACIC DYSPLASIA 4. Identifiers: Orphanet 474, MedGen C3151185, MONDO:0013441, OMIM 613819.
Nephronophthisis 12 (NPHP12). Identifiers: Orphanet 655, MedGen C3151186, MONDO:0013442, OMIM 613820.
Jeune thoracic dystrophy. Also called: Jeune syndrome; Short-rib thoracic dysplasia; Infantile thoracic dystrophy; Thoracic pelvic phalangeal dystrophy; Jeune's syndrome; Chondroectodermal dysplasia-like syndrome. Identifiers: Orphanet 474, MedGen C0265275, MONDO:0018770.
Nephronophthisis. Also called: Juvenile Nephronophthisis. Identifiers: Orphanet 655, MedGen C0687120, MONDO:0019005, HP:0000090.

Allele frequency attached by ClinVar (database versions not stated): ESP Exome Variant Server 0.00028; 1000 Genomes Project 0.00040; 1000 Genomes Project 30x 0.00047; TOPMed 0.00051; ExAC 0.00059; gnomAD exomes 0.00066 and 0.00127; gnomAD 0.00118 and 0.00119.
gnomAD v4.1: 1,002 of 794,418 alleles (0.13%); highest among the groups gnomAD compares: Non-Finnish European, 0.16%; no homozygotes.

Submissions (8):

GeneDx
Classification: Uncertain significance. Last evaluated: 2026-01-17. Review status: criteria provided, single submitter. Criteria: GeneDx Variant Classification Process June 2021. Collection method: clinical testing. Allele origin: germline. Affected: yes.
Comment: In silico analysis suggests that this missense variant does not alter protein structure/function; Has not been previously published as pathogenic or benign to our knowledge

Blueprint Genetics
Classification: Likely benign. Last evaluated: 2024-11-20. Review status: criteria provided, single submitter. Criteria: ACMG Guidelines, 2015. Collection method: clinical testing. Allele origin: germline.

PreventionGenetics, part of Exact Sciences
Classification: Likely benign for TTC21B-related condition. Last evaluated: 2024-11-18. Review status: criteria provided, single submitter. Criteria: ACMG Guidelines, 2015. Collection method: clinical testing. Allele origin: germline.
Comment: This variant is classified as likely benign based on ACMG/AMP sequence variant interpretation guidelines (Richards et al. 2015 PMID: 25741868, with internal and published modifications).

Labcorp Genetics (formerly Invitae), Labcorp
Classification: Uncertain significance for Jeune thoracic dystrophy; Nephronophthisis. Last evaluated: 2022-10-24. Review status: criteria provided, single submitter. Criteria: Invitae Variant Classification Sherloc (09022015). Collection method: clinical testing. Allele origin: germline.
Comment: This sequence change replaces lysine, which is basic and polar, with glutamic acid, which is acidic and polar, at codon 7 of the TTC21B protein (p.Lys7Glu). This variant is present in population databases (rs375721812, gnomAD 0.2%), and has an allele count higher than expected for a pathogenic variant. This variant has not been reported in the literature in individuals affected with TTC21B-related conditions. ClinVar contains an entry for this variant (Variation ID: 331843). Algorithms developed to predict the effect of missense changes on protein structure and function (SIFT, PolyPhen-2, Align-GVGD) all suggest that this variant is likely to be tolerated. In summary, the available evidence is currently insufficient to determine the role of this variant in disease. Therefore, it has been classified as a Variant of Uncertain Significance.

ARUP Laboratories, Molecular Genetics and Genomics, ARUP Laboratories
Classification: Uncertain significance. Last evaluated: 2022-03-21. Review status: criteria provided, single submitter. Criteria: ARUP Molecular Germline Variant Investigation Process 2021. Collection method: clinical testing. Allele origin: germline.
Comment: The TTC21B c.19A>G, p.Lys7Glu variant (rs375721812), to our knowledge, is not reported in the medical literature but is reported in ClinVar (Variation ID: 331843). This variant is found in the European population with an allele frequency of .16% (52/32148 alleles) in the Genome Aggregation Database. The lysine at position 7 is weakly conserved, and computational analyses are uncertain whether this variant is neutral or deleterious (REVEL: 0.188). Although evidence suggests that p.Lys7Glu may be a rare benign variant, there is insufficient information to determine its clinical significance with certainty.

Illumina Laboratory Services, Illumina
Classification: Uncertain significance for Asphyxiating thoracic dystrophy 4. Last evaluated: 2018-01-12. Review status: criteria provided, single submitter. Criteria: ICSL Variant Classification Criteria 13 December 2019. Collection method: clinical testing. Allele origin: germline.

Illumina Laboratory Services, Illumina
Classification: Uncertain significance for Nephronophthisis 12. Last evaluated: 2018-01-12. Review status: criteria provided, single submitter. Criteria: ICSL Variant Classification Criteria 13 December 2019. Collection method: clinical testing. Allele origin: germline.

Breakthrough Genomics
Classification: Uncertain significance. Review status: criteria provided, single submitter. Criteria: ACMG Guidelines, 2015. Collection method: not provided. Allele origin: germline. Inheritance: Autosomal recessive inheritance. Affected: yes.